The following is an entry in ClinVar:

NM_006231.4(POLE):c.2640G>A (p.Thr880=)

Gene: POLE (DNA polymerase epsilon, catalytic subunit; minus strand). Cytogenetic location: 12q24.33.
Variant type: single nucleotide variant.
Coding change: c.2640G>A on transcript NM_006231.4 (MANE Select); coding-DNA position 2640, G replaced by A.
Protein change: p.Thr880=; no amino-acid change (threonine 880 retained).
Molecular consequence: synonymous variant.
Genome position (GRCh38, 1-based): chr12:132,664,070, C>T on the plus strand (G>A on the coding strand, the complement: POLE is on the minus strand). VCF-style: chr12-132664070-C-T. GRCh37 (hg19) VCF-style: chr12-133240656-C-T.
Identifiers: ClinVar variation 381761 (VCV000381761.19), dbSNP rs1057521163, ClinGen allele CA16606533.

ClinVar aggregate classification (germline): Likely benign. Review status: criteria provided, multiple submitters, no conflicts (2 of 4 stars). 4 submissions from 4 submitters: Likely benign (4). Last evaluated 2025-12-01.

Conditions:
Hereditary cancer-predisposing syndrome. Also called: Neoplastic Syndromes, Hereditary; Hereditary neoplastic syndrome; Tumor predisposition; Hereditary Cancer Syndrome. Identifiers: Orphanet 140162, MedGen C0027672, MeSH D009386, MONDO:0015356.

Allele frequency attached by ClinVar (database versions not stated): gnomAD exomes 0.00001; TOPMed 0.00001; gnomAD 0.00001.
gnomAD v4.1: 5 of 1,614,050 alleles (0.00031%); highest among the groups gnomAD compares: African/African-American, 0.0027%; no homozygotes.

Submissions (4):

CeGaT Center for Human Genetics Tuebingen
Classification: Likely benign. Last evaluated: 2025-12-01. Review status: criteria provided, single submitter. Criteria: CeGaT Center For Human Genetics Tuebingen Variant Classification Criteria Version 2. Collection method: clinical testing. Allele origin: germline. Affected: yes. Observed: 1 variant allele.
Comment: POLE: BP4, BP7

Labcorp Genetics (formerly Invitae), Labcorp
Classification: Likely benign. Last evaluated: 2025-07-31. Review status: criteria provided, single submitter. Criteria: Invitae Variant Classification Sherloc (09022015). Collection method: clinical testing. Allele origin: germline.

Ambry Genetics
Classification: Likely benign for Hereditary cancer-predisposing syndrome. Last evaluated: 2016-05-09. Review status: criteria provided, single submitter. Criteria: Ambry Variant Classification Scheme 2023. Collection method: clinical testing. Allele origin: germline.

GeneDx
Classification: Likely benign. Last evaluated: 2015-11-17. Review status: criteria provided, single submitter. Criteria: GeneDx Variant Classification (06012015). Collection method: clinical testing. Allele origin: germline. Affected: yes.
Comment: This variant is considered likely benign or benign based on one or more of the following criteria: it is a conservative change, it occurs at a poorly conserved position in the protein, it is predicted to be benign by multiple in silico algorithms, and/or has population frequency not consistent with disease.